The following is an entry in ClinVar:

ClinVar aggregate classification (germline): Uncertain significance. Review status: criteria provided, multiple submitters, no conflicts (2 of 4 stars). 4 submissions from 4 submitters: Uncertain significance (3). 1 of the submissions does not count toward it. Last evaluated 2025-04-07.

Conditions:
Inborn genetic diseases. Identifiers: MedGen C0950123, MeSH D030342.
Multiple acyl-CoA dehydrogenase deficiency (MADD). Also called: Glutaric acidemia type II; GA 2; ETHYLMALONIC-ADIPICACIDURIA; GA II; Glutaric aciduria, type 2; Glutaric Acidemia type 2. Identifiers: Orphanet 26791, MedGen C0268596, MONDO:0009282, OMIM 231680.

Allele frequency attached by ClinVar (database versions not stated): gnomAD 0.00001; TOPMed 0.00001.

Submissions (4):

Ambry Genetics
Classification: Uncertain significance for Inborn genetic diseases. Last evaluated: 2025-04-07. Review status: criteria provided, single submitter. Criteria: Ambry Variant Classification Scheme 2023. Collection method: clinical testing. Allele origin: germline.

Mayo Clinic Laboratories, Mayo Clinic
Classification: Uncertain significance. Last evaluated: 2024-06-24. Review status: criteria provided, single submitter. Criteria: ACMG Guidelines, 2015. Collection method: clinical testing. Allele origin: germline. Observed: 1 variant allele.
Comment: PP3, PM2

Labcorp Genetics (formerly Invitae), Labcorp
Classification: Uncertain significance for Multiple acyl-CoA dehydrogenase deficiency. Last evaluated: 2021-09-17. Review status: criteria provided, single submitter. Criteria: Invitae Variant Classification Sherloc (09022015). Collection method: clinical testing. Allele origin: germline.
Comment: This sequence change replaces arginine with glutamine at codon 559 of the ETFDH protein (p.Arg559Gln). The arginine residue is highly conserved and there is a small physicochemical difference between arginine and glutamine. This variant is present in population databases (rs768961719, ExAC 0.01%). This variant has not been reported in the literature in individuals with ETFDH-related conditions. Algorithms developed to predict the effect of missense changes on protein structure and function are either unavailable or do not agree on the potential impact of this missense change (SIFT: "Deleterious"; PolyPhen-2: "Probably Damaging"; Align-GVGD: "Class C0"). In summary, the available evidence is currently insufficient to determine the role of this variant in disease. Therefore, it has been classified as a Variant of Uncertain Significance.

Natera, Inc.
Classification: Uncertain significance for Glutaric aciduria type 2. Last evaluated: 2020-09-08. Review status: no assertion criteria provided. Collection method: clinical testing. Allele origin: germline. Not counted in ClinVar's aggregate classification.

NM_004453.4(ETFDH):c.1676G>A (p.Arg559Gln)

Gene: ETFDH (electron transfer flavoprotein dehydrogenase; plus strand). Cytogenetic location: 4q32.1.
Variant type: single nucleotide variant.
Coding change: c.1676G>A on transcript NM_004453.4 (MANE Select); coding-DNA position 1676, G replaced by A.
Protein change: p.Arg559Gln; replaces arginine 559 with glutamine.
Molecular consequence: missense variant.
Genome position (GRCh38, 1-based): chr4:158,706,836, G>A. VCF-style: chr4-158706836-G-A. GRCh37 (hg19) VCF-style: chr4-159627988-G-A.
Other names: p.Arg559Gln; c.1676G>A (NM_004453.2); c.1535G>A, p.Arg512Gln (NM_001281737.2); c.1493G>A, p.Arg498Gln (NM_001281738.1); short protein forms R498Q, R512Q, R559Q.
Identifiers: ClinVar variation 990943 (VCV000990943.5), dbSNP rs768961719, ClinGen allele CA3122683.